The following is an entry in ClinVar:

ClinVar aggregate classification (germline): Uncertain significance (1 of 4 stars; one submission).

Conditions:
Inborn genetic diseases. Identifiers: MedGen C0950123, MeSH D030342.

Submission:

Ambry Genetics
Classification: Uncertain significance for Inborn genetic diseases. Last evaluated: 2025-07-15. Review status: criteria provided, single submitter. Criteria: Ambry Variant Classification Scheme 2023. Collection method: clinical testing. Allele origin: germline.
Comment: The p.E84K variant (also known as c.250G>A), located in coding exon 3 of the FANCA gene, results from a G to A substitution at nucleotide position 250. The glutamic acid at codon 84 is replaced by lysine, an amino acid with similar properties. This amino acid position is conserved. In addition, this alteration is predicted to be tolerated by in silico analysis. Based on the available evidence, the clinical significance of this variant remains unclear.

NM_000135.4(FANCA):c.250G>A (p.Glu84Lys)

Gene: FANCA (FA complementation group A; minus strand). Cytogenetic location: 16q24.3.
Variant type: single nucleotide variant.
Coding change: c.250G>A on transcript NM_000135.4 (MANE Select); coding-DNA position 250, G replaced by A.
Protein change: p.Glu84Lys; replaces glutamic acid 84 with lysine.
Molecular consequence: missense variant.
Genome position (GRCh38, 1-based): chr16:89,814,553, C>T on the plus strand (G>A on the coding strand, the complement: FANCA is on the minus strand). VCF-style: chr16-89814553-C-T. GRCh37 (hg19) VCF-style: chr16-89880961-C-T.
Other names: c.250G>A, p.Glu84Lys (NM_001018112.3, NM_001286167.3, NM_001351830.2); short protein forms E84K.
Identifiers: ClinVar variation 4254205 (VCV004254205.1).